The following is an entry in ClinVar:

ClinVar aggregate classification (germline): Uncertain significance (1 of 4 stars; one submission).

Allele frequency attached by ClinVar (database versions not stated): gnomAD 0.00002 and 0.00003; TOPMed 0.00003; ExAC 0.00005; gnomAD exomes 0.00006.
gnomAD v4.1: 74 of 1,613,754 alleles (0.0046%); highest among the groups gnomAD compares: South Asian, 0.056%; no homozygotes.

Submission:

Labcorp Genetics (formerly Invitae), Labcorp
Classification: Uncertain significance. Last evaluated: 2021-12-18. Review status: criteria provided, single submitter. Criteria: Invitae Variant Classification Sherloc (09022015). Collection method: clinical testing. Allele origin: germline.
Comment: This sequence change replaces proline, which is neutral and non-polar, with serine, which is neutral and polar, at codon 532 of the C6 protein (p.Pro532Ser). This variant is present in population databases (rs748385522, gnomAD 0.05%). This variant has not been reported in the literature in individuals affected with C6-related conditions. Algorithms developed to predict the effect of missense changes on protein structure and function are either unavailable or do not agree on the potential impact of this missense change (SIFT: "Tolerated"; PolyPhen-2: "Possibly Damaging"; Align-GVGD: "Class C0"). In summary, the available evidence is currently insufficient to determine the role of this variant in disease. Therefore, it has been classified as a Variant of Uncertain Significance.

NM_000065.5(C6):c.1594C>T (p.Pro532Ser)

Gene: C6 (complement C6; minus strand). Cytogenetic location: 5p13.1.
Variant type: single nucleotide variant.
Coding change: c.1594C>T on transcript NM_000065.5 (MANE Select); coding-DNA position 1594, C replaced by T.
Protein change: p.Pro532Ser; replaces proline 532 with serine.
Molecular consequence: missense variant.
Genome position (GRCh38, 1-based): chr5:41,160,232, G>A on the plus strand (C>T on the coding strand, the complement: C6 is on the minus strand). VCF-style: chr5-41160232-G-A. GRCh37 (hg19) VCF-style: chr5-41160334-G-A.
Other names: c.1594C>T, p.Pro532Ser (NM_001115131.4); short protein forms P532S.
Identifiers: ClinVar variation 1497245 (VCV001497245.3), dbSNP rs748385522, ClinGen allele CA3252410.